The following is an entry in ClinVar:

NM_002878.4(RAD51D):c.922A>T (p.Met308Leu)

Genes: RAD51D (RAD51 paralog D; minus strand), RAD51L3-RFFL (RAD51L3-RFFL readthrough; minus strand). Cytogenetic location: 17q12.
Variant type: single nucleotide variant.
Coding change: c.922A>T on transcript NM_002878.4 (MANE Select); coding-DNA position 922, A replaced by T.
Protein change: p.Met308Leu; replaces methionine 308 with leucine.
Molecular consequence: missense variant. On other transcripts: non-coding transcript variant (2).
Genome position (GRCh38, 1-based): chr17:35,101,018, T>A on the plus strand (A>T on the coding strand, the complement: RAD51D is on the minus strand). VCF-style: chr17-35101018-T-A. GRCh37 (hg19) VCF-style: chr17-33428037-T-A.
Other names: c.982A>T, p.Met328Leu (NM_001142571.2); c.586A>T, p.Met196Leu (NM_133629.3); short protein forms M196L, M308L, M328L.
Identifiers: ClinVar variation 823108 (VCV000823108.9), dbSNP rs786201961, ClinGen allele CA399086155.
Genomic context (GRCh38, chr17:35,101,018, plus strand): 5'-TCTGATCACCCTGTAATGTGGCACTCTGCTCTGAGGTCCCCCAGGTCCCAATGTCTACCA[T>A]CTCCTGGAAACCTGTTGGCTGGAAGAAGAAGTAAGGAGTCAGTGGAGTTAAGCAACCCAA-3'
Protein context (NP_002869.3, residues 298-318): SSRQPTGFQE[Met308Leu]VDIGTWGTSE

ClinVar aggregate classification (germline): Uncertain significance. Review status: criteria provided, multiple submitters, no conflicts (2 of 4 stars). 2 submissions from 2 submitters: Uncertain significance (2). Last evaluated 2022-04-21.

Conditions:
Breast-ovarian cancer, familial, susceptibility to, 4. Identifiers: Orphanet 145, MedGen C3280345, MONDO:0013669, OMIM 614291.
Hereditary cancer-predisposing syndrome. Also called: Tumor predisposition; Hereditary Cancer Syndrome; Neoplastic Syndromes, Hereditary; Hereditary neoplastic syndrome. Identifiers: Orphanet 140162, MedGen C0027672, MeSH D009386, MONDO:0015356.

Submissions (2):

Labcorp Genetics (formerly Invitae), Labcorp
Classification: Uncertain significance for Breast-ovarian cancer, familial, susceptibility to, 4. Last evaluated: 2022-04-21. Review status: criteria provided, single submitter. Criteria: Invitae Variant Classification Sherloc (09022015). Collection method: clinical testing. Allele origin: germline.
Comment: In summary, the available evidence is currently insufficient to determine the role of this variant in disease. Therefore, it has been classified as a Variant of Uncertain Significance. Algorithms developed to predict the effect of missense changes on protein structure and function (SIFT, PolyPhen-2, Align-GVGD) all suggest that this variant is likely to be tolerated. ClinVar contains an entry for this variant (Variation ID: 823108). This variant has not been reported in the literature in individuals affected with RAD51D-related conditions. This variant is not present in population databases (gnomAD no frequency). This sequence change replaces methionine, which is neutral and non-polar, with leucine, which is neutral and non-polar, at codon 308 of the RAD51D protein (p.Met308Leu).

Ambry Genetics
Classification: Uncertain significance for Hereditary cancer-predisposing syndrome. Last evaluated: 2017-12-18. Review status: criteria provided, single submitter. Criteria: Ambry Variant Classification Scheme 2023. Collection method: clinical testing. Allele origin: germline.
Comment: The p.M308L variant (also known as c.922A>T), located in coding exon 10 of the RAD51D gene, results from an A to T substitution at nucleotide position 922. The methionine at codon 308 is replaced by leucine, an amino acid with highly similar properties. This amino acid position is poorly conserved in available vertebrate species. In addition, this alteration is predicted to be tolerated by in silico analysis. Since supporting evidence is limited at this time, the clinical significance of this alteration remains unclear.